The following is an entry in ClinVar:

NM_003106.4(SOX2):c.56_57delinsTT (p.Gly19Val)

Genes: SOX2 (SRY-box transcription factor 2; plus strand), SOX2-OT (SOX2 overlapping transcript; plus strand), LOC108281177 (SOX2 5' regulatory region; plus strand). Cytogenetic location: 3q26.33.
Variant type: Indel.
Coding change: c.56_57delinsTT on transcript NM_003106.4 (MANE Select); coding-DNA positions 56 to 57, GG replaced by TT.
Protein change: p.Gly19Val; replaces glycine 19 with valine.
Molecular consequence: missense variant.
Genome position (GRCh38, 1-based): chr3:181,712,416-181,712,417, GG replaced by TT. VCF-style: chr3-181712416-GG-TT. GRCh37 (hg19) VCF-style: chr3-181430204-GG-TT.
Other names: short protein forms G19V.
Identifiers: ClinVar variation 3253237 (VCV003253237.1), dbSNP rs2473716855.
Genomic context (GRCh38, chr3:181,712,416, plus strand): 5'-CCCGCATGTACAACATGATGGAGACGGAGCTGAAGCCGCCGGGCCCGCAGCAAACTTCGG[GG>TT]GGCGGCGGCGGCAACTCCACCGCGGCGGCGGCCGGCGGCAACCAGAAAAACAGCCCGGAC-3'
Protein context (NP_003097.1, residues 9-29): LKPPGPQQTS[Gly19Val]GGGGNSTAAA

ClinVar aggregate classification (germline): Uncertain significance (1 of 4 stars; one submission).

Submission:

GeneDx
Classification: Uncertain significance. Last evaluated: 2023-11-30. Review status: criteria provided, single submitter. Criteria: GeneDx Variant Classification Process June 2021. Collection method: clinical testing. Allele origin: germline. Affected: yes.
Comment: Not observed at significant frequency in large population cohorts (gnomAD); In silico analysis supports that this variant does not alter protein structure/function; Has not been previously published as pathogenic or benign to our knowledge